The following is an entry in ClinVar:

ClinVar aggregate classification (germline): Uncertain significance (1 of 4 stars; one submission).

Allele frequency attached by ClinVar (database versions not stated): TOPMed below 0.00001.

Submission:

GeneDx
Classification: Uncertain significance. Last evaluated: 2023-12-26. Review status: criteria provided, single submitter. Criteria: GeneDx Variant Classification Process June 2021. Collection method: clinical testing. Allele origin: germline.
Comment: Not observed at significant frequency in large population cohorts (gnomAD); In silico analysis supports that this missense variant has a deleterious effect on protein structure/function; Has not been previously published as pathogenic or benign to our knowledge

NM_014754.3(PTDSS1):c.1210T>C (p.Trp404Arg)

Gene: PTDSS1 (phosphatidylserine synthase 1; plus strand). Cytogenetic location: 8q22.1.
Variant type: single nucleotide variant.
Coding change: c.1210T>C on transcript NM_014754.3 (MANE Select); coding-DNA position 1210, T replaced by C.
Protein change: p.Trp404Arg; replaces tryptophan 404 with arginine.
Molecular consequence: missense variant.
Genome position (GRCh38, 1-based): chr8:96,330,249, T>C. VCF-style: chr8-96330249-T-C. GRCh37 (hg19) VCF-style: chr8-97342477-T-C.
Other names: c.772T>C, p.Trp258Arg (NM_001290225.2); short protein forms W258R, W404R.
Identifiers: ClinVar variation 2662902 (VCV002662902.2), dbSNP rs1351892730, ClinGen allele CA371758383.